The following is an entry in ClinVar:

NM_000057.4(BLM):c.4076+472A>G

Gene: BLM (BLM RecQ like helicase; plus strand). Cytogenetic location: 15q26.1.
Variant type: single nucleotide variant.
Coding change: c.4076+472A>G on transcript NM_000057.4 (MANE Select); 472 bases into the intron after coding-DNA position 4076, A replaced by G.
Molecular consequence: intron variant.
Genome position (GRCh38, 1-based): chr15:90,811,878, A>G. VCF-style: chr15-90811878-A-G. GRCh37 (hg19) VCF-style: chr15-91355108-A-G.
Other names: c.4076+472A>G (NM_001287246.2); c.2951+472A>G (NM_001287248.2); c.3683+472A>G (NM_001287247.2).
Identifiers: ClinVar variation 3905635 (VCV003905635.10).

ClinVar aggregate classification (germline): Likely benign (1 of 4 stars; one submission).

Submission:

CeGaT Center for Human Genetics Tuebingen
Classification: Likely benign. Last evaluated: 2025-05-01. Review status: criteria provided, single submitter. Criteria: CeGaT Center For Human Genetics Tuebingen Variant Classification Criteria Version 2. Collection method: clinical testing. Allele origin: germline. Affected: yes. Observed: 1 variant allele.
Comment: BLM: PM2:Supporting, BP4, BP7